The following is an entry in ClinVar:

NM_170601.5(SIAE):c.820G>A (p.Val274Ile)

Gene: SIAE (sialic acid acetylesterase; minus strand). Cytogenetic location: 11q24.2.
Variant type: single nucleotide variant.
Coding change: c.820G>A on transcript NM_170601.5 (MANE Select); coding-DNA position 820, G replaced by A.
Protein change: p.Val274Ile; replaces valine 274 with isoleucine.
Molecular consequence: missense variant.
Genome position (GRCh38, 1-based): chr11:124,648,078, C>T on the plus strand (G>A on the coding strand, the complement: SIAE is on the minus strand). VCF-style: chr11-124648078-C-T. GRCh37 (hg19) VCF-style: chr11-124517974-C-T.
Other names: c.715G>A, p.Val239Ile (NM_001199922.2); c.820G>A (NM_170601.4); short protein forms V239I, V274I.
Identifiers: ClinVar variation 1490949 (VCV001490949.7), dbSNP rs1042605624, ClinGen allele CA230390846.
Genomic context (GRCh38, chr11:124,648,078, plus strand): 5'-AGCAAACGCTATCTGATACAATGGAGAAAGAGTACACTGAACACTTACCCTGGTACCATA[C>T]TACCCCTTTCAGAGTCATATTGCACAGTGGATGGATCATGGCATTCCAGAGAACAGAGTG-3'
Protein context (NP_733746.1, residues 264-284): PLCNMTLKGV[Val274Ile]WYQGESNINY

ClinVar aggregate classification (germline): Conflicting classifications of pathogenicity. Review status: criteria provided, conflicting classifications (1 of 4 stars). 2 submissions from 2 submitters: Uncertain significance (1); Likely benign (1). Last evaluated 2025-01-20.

Allele frequency attached by ClinVar (database versions not stated): gnomAD 0.00001; TOPMed 0.00002.
gnomAD v4.1: 3 of 1,612,776 alleles (0.00019%); highest among the groups gnomAD compares: African/African-American, 0.0027%; no homozygotes.

Submissions (2):

Ambry Genetics
Classification: Likely benign. Last evaluated: 2025-01-20. Review status: criteria provided, single submitter. Criteria: Ambry Variant Classification Scheme 2023. Collection method: clinical testing. Allele origin: germline.

Labcorp Genetics (formerly Invitae), Labcorp
Classification: Uncertain significance. Last evaluated: 2024-12-17. Review status: criteria provided, single submitter. Criteria: Invitae Variant Classification Sherloc (09022015). Collection method: clinical testing. Allele origin: germline.
Comment: This sequence change replaces valine, which is neutral and non-polar, with isoleucine, which is neutral and non-polar, at codon 274 of the SIAE protein (p.Val274Ile). This variant is present in population databases (no rsID available, gnomAD 0.01%). This variant has not been reported in the literature in individuals affected with SIAE-related conditions. ClinVar contains an entry for this variant (Variation ID: 1490949). An algorithm developed to predict the effect of missense changes on protein structure and function outputs the following: PolyPhen-2: "Benign". The isoleucine amino acid residue is found in multiple mammalian species, which suggests that this missense change does not adversely affect protein function. In summary, the available evidence is currently insufficient to determine the role of this variant in disease. Therefore, it has been classified as a Variant of Uncertain Significance.